The following is an entry in ClinVar:

NM_004655.4(AXIN2):c.1727G>C (p.Ser576Thr)

Gene: AXIN2 (axin 2; minus strand). Cytogenetic location: 17q24.1.
Variant type: single nucleotide variant.
Coding change: c.1727G>C on transcript NM_004655.4 (MANE Select); coding-DNA position 1727, G replaced by C.
Protein change: p.Ser576Thr; replaces serine 576 with threonine.
Molecular consequence: missense variant. On other transcripts: intron variant (1).
Genome position (GRCh38, 1-based): chr17:65,537,049, C>G on the plus strand (G>C on the coding strand, the complement: AXIN2 is on the minus strand). VCF-style: chr17-65537049-C-G. GRCh37 (hg19) VCF-style: chr17-63533167-C-G.
Other names: c.1712+275G>C (NM_001363813.1); short protein forms S576T.
Identifiers: ClinVar variation 940860 (VCV000940860.8), dbSNP rs764205632, ClinGen allele CA400676736.

ClinVar aggregate classification (germline): Uncertain significance. Review status: criteria provided, multiple submitters, no conflicts (2 of 4 stars). 2 submissions from 2 submitters: Uncertain significance (2). Last evaluated 2024-10-30.

Conditions:
Oligodontia-cancer predisposition syndrome. Also called: TOOTH AGENESIS-COLORECTAL CANCER SYNDROME. Identifiers: Orphanet 300576, MedGen C1837750, MONDO:0012075, OMIM 608615. Disease mechanism: loss of function.
Hereditary cancer-predisposing syndrome. Also called: Hereditary neoplastic syndrome; Neoplastic Syndromes, Hereditary; Tumor predisposition; Hereditary Cancer Syndrome. Identifiers: Orphanet 140162, MedGen C0027672, MeSH D009386, MONDO:0015356.

Allele frequency attached by ClinVar (database versions not stated): TOPMed below 0.00001.
gnomAD v4.1: 8 of 1,605,308 alleles (0.0005%); highest among the groups gnomAD compares: Non-Finnish European, 0.00068%; no homozygotes.

Submissions (2):

Ambry Genetics
Classification: Uncertain significance for Hereditary cancer-predisposing syndrome. Last evaluated: 2024-10-30. Review status: criteria provided, single submitter. Criteria: Ambry Variant Classification Scheme 2023. Collection method: clinical testing. Allele origin: germline.
Comment: The p.S576T variant (also known as c.1727G>C), located in coding exon 6 of the AXIN2 gene, results from a G to C substitution at nucleotide position 1727. The serine at codon 576 is replaced by threonine, an amino acid with similar properties. This amino acid position is conserved. In addition, this alteration is predicted to be tolerated by in silico analysis. Based on the available evidence, the clinical significance of this variant remains unclear.

Labcorp Genetics (formerly Invitae), Labcorp
Classification: Uncertain significance for Oligodontia-cancer predisposition syndrome. Last evaluated: 2024-05-05. Review status: criteria provided, single submitter. Criteria: Invitae Variant Classification Sherloc (09022015). Collection method: clinical testing. Allele origin: germline.
Comment: This sequence change replaces serine, which is neutral and polar, with threonine, which is neutral and polar, at codon 576 of the AXIN2 protein (p.Ser576Thr). This variant is present in population databases (no rsID available, gnomAD 0.001%). This variant has not been reported in the literature in individuals affected with AXIN2-related conditions. ClinVar contains an entry for this variant (Variation ID: 940860). Advanced modeling of protein sequence and biophysical properties (such as structural, functional, and spatial information, amino acid conservation, physicochemical variation, residue mobility, and thermodynamic stability) has been performed at Invitae for this missense variant, however the output from this modeling did not meet the statistical confidence thresholds required to predict the impact of this variant on AXIN2 protein function. In summary, the available evidence is currently insufficient to determine the role of this variant in disease. Therefore, it has been classified as a Variant of Uncertain Significance.